The following is an entry in ClinVar:

ClinVar aggregate classification (germline): Uncertain significance (1 of 4 stars; one submission).

gnomAD v4.1: 35 of 1,613,740 alleles (0.0022%); highest among the groups gnomAD compares: Non-Finnish European, 0.0026%; no homozygotes.

Submission:

Labcorp Genetics (formerly Invitae), Labcorp
Classification: Uncertain significance. Last evaluated: 2024-03-19. Review status: criteria provided, single submitter. Criteria: Invitae Variant Classification Sherloc (09022015). Collection method: clinical testing. Allele origin: germline.
Comment: This sequence change replaces glutamic acid, which is acidic and polar, with lysine, which is basic and polar, at codon 531 of the FMN1 protein (p.Glu531Lys). This variant is present in population databases (rs771802180, gnomAD 0.003%). This variant has not been reported in the literature in individuals affected with FMN1-related conditions. Experimental studies and prediction algorithms are not available or were not evaluated, and the functional significance of this variant is currently unknown. In summary, the available evidence is currently insufficient to determine the role of this variant in disease. Therefore, it has been classified as a Variant of Uncertain Significance.

NM_001277313.2(FMN1):c.2260G>A (p.Glu754Lys)

Gene: FMN1 (formin 1; minus strand). Cytogenetic location: 15q13.3.
Variant type: single nucleotide variant.
Coding change: c.2260G>A on transcript NM_001277313.2 (MANE Select); coding-DNA position 2260, G replaced by A.
Protein change: p.Glu754Lys; replaces glutamic acid 754 with lysine.
Molecular consequence: missense variant.
Genome position (GRCh38, 1-based): chr15:32,969,441, C>T on the plus strand (G>A on the coding strand, the complement: FMN1 is on the minus strand). VCF-style: chr15-32969441-C-T. GRCh37 (hg19) VCF-style: chr15-33261642-C-T.
Other names: c.1591G>A, p.Glu531Lys (NM_001103184.4); short protein forms E531K, E754K.
Identifiers: ClinVar variation 3715670 (VCV003715670.2).
Genomic context (GRCh38, chr15:32,969,441, plus strand): 5'-CTAGCTCGTGTTTCAGATTTTCAATGGTTTCTTCTAGTCTCGCTGTTATCATTGCATGCT[C>T]GCCCCGGATATGAAATGCCCGAAGTTCAAACTGTGCCTATAGGAAAATTCAGAGGGAAAG-3'
Protein context (NP_001264242.1, residues 744-764): FELRAFHIRG[Glu754Lys]HAMITARLEE